The following is an entry in ClinVar:

NM_002471.4(MYH6):c.5301G>A (p.Met1767Ile)

Gene: MYH6 (myosin heavy chain 6; minus strand). Cytogenetic location: 14q11.2.
Variant type: single nucleotide variant.
Coding change: c.5301G>A on transcript NM_002471.4 (MANE Select); coding-DNA position 5301, G replaced by A.
Protein change: p.Met1767Ile; replaces methionine 1767 with isoleucine.
Molecular consequence: missense variant.
Genome position (GRCh38, 1-based): chr14:23,384,706, C>T on the plus strand (G>A on the coding strand, the complement: MYH6 is on the minus strand). VCF-style: chr14-23384706-C-T. GRCh37 (hg19) VCF-style: chr14-23853915-C-T.
Other names: short protein forms M1767I.
Identifiers: ClinVar variation 1746709 (VCV001746709.3), dbSNP rs2502137323, ClinGen allele CA388985632.

ClinVar aggregate classification (germline): Uncertain significance (1 of 4 stars; one submission).

Conditions:
Cardiovascular phenotype. Identifiers: MedGen CN230736.

Submission:

Ambry Genetics
Classification: Uncertain significance for Cardiovascular phenotype. Last evaluated: 2025-07-22. Review status: criteria provided, single submitter. Criteria: Ambry Variant Classification Scheme 2023. Collection method: clinical testing. Allele origin: germline.
Comment: The p.M1767I variant (also known as c.5301G>A), located in coding exon 34 of the MYH6 gene, results from a G to A substitution at nucleotide position 5301. The methionine at codon 1767 is replaced by isoleucine, an amino acid with highly similar properties. This amino acid position is conserved. In addition, the in silico prediction for this alteration is inconclusive. Since supporting evidence is limited at this time, the clinical significance of this alteration remains unclear.